The following is an entry in ClinVar:

ClinVar aggregate classification (germline): Likely pathogenic (1 of 4 stars; one submission).

Conditions:
Facioscapulohumeral muscular dystrophy 2 (FSHD2). Also called: FACIOSCAPULOHUMERAL MUSCULAR DYSTROPHY 2, DIGENIC; FSHD2, DIGENIC; MUSCULAR DYSTROPHY, FACIOSCAPULOHUMERAL, TYPE 1B. Identifiers: Orphanet 269, MedGen C1834671, MONDO:0008031, OMIM 158901.

Submission:

Genetic Diseases Diagnostic Center, Koc University Hospital
Classification: Likely pathogenic for Facioscapulohumeral muscular dystrophy 2. Last evaluated: 2026-02-20. Review status: criteria provided, single submitter. Criteria: ACMG Guidelines, 2015. Collection method: clinical testing. Allele origin: germline. Inheritance: Autosomal dominant inheritance. Affected: yes.
Comment: No supporting literature was identified for variant c.1902T>A p.Tyr634Ter which is a single nucleotide substitution predicted to introduce a premature termination codon at amino acid position 634, replacing a tyrosine residue with a stop signal within the encoded protein. This change is expected to truncate the SMCHD1 protein relative to the full-length sequence. According to available annotation, the c.1902T>A p.Tyr634Ter variant in SMCHD1 is a stop gained variant impacting exon 14 of SMCHD1, with a CADD score of 37.0. This variant has been classified, according to ACMG/AMP criteria, as likely pathogenic with following ACMG criteria: PVS1, PM2, PP4, PS3. Mode of inheritance: Digenic inheritance.

NM_015295.3(SMCHD1):c.1902T>A (p.Tyr634Ter)

Gene: SMCHD1 (structural maintenance of chromosomes flexible hinge domain containing 1; plus strand). Cytogenetic location: 18p11.32.
Variant type: single nucleotide variant.
Coding change: c.1902T>A on transcript NM_015295.3 (MANE Select); coding-DNA position 1902, T replaced by A.
Protein change: p.Tyr634Ter; replaces tyrosine 634 with a stop codon.
Molecular consequence: nonsense.
Genome position (GRCh38, 1-based): chr18:2,705,753, T>A. VCF-style: chr18-2705753-T-A. GRCh37 (hg19) VCF-style: chr18-2705751-T-A.
Other names: short protein forms Y634*.
Identifiers: ClinVar variation 4813987 (VCV004813987.1).
Genomic context (GRCh38, chr18:2,705,753, plus strand): 5'-GGTCAAGACAATCAAGACACTTCCCCTCTTTTATGGAAGCATAGTAAGATTTTTTCTTTA[T>A]GGCGATCATGATGGAGAAGTATATGCTACAGGAGGAGAGGTTCAAATTGCAATGGTAAGA-3'